The following is an entry in ClinVar:

ClinVar aggregate classification (germline): Uncertain significance (1 of 4 stars; one submission).

gnomAD v4.1: 1 of 1,529,136 alleles (0.000065%); highest among the groups gnomAD compares: Middle Eastern, 0.018%; no homozygotes.

Submission:

GeneDx
Classification: Uncertain significance. Last evaluated: 2024-04-19. Review status: criteria provided, single submitter. Criteria: GeneDx Variant Classification Process June 2021. Collection method: clinical testing. Allele origin: germline. Affected: yes.
Comment: Not observed at significant frequency in large population cohorts (gnomAD); In silico analysis supports that this missense variant has a deleterious effect on protein structure/function; Has not been previously published as pathogenic or benign to our knowledge

NM_000100.4(CSTB):c.37A>G (p.Thr13Ala)

Genes: CSTB (cystatin B; minus strand), LOC130066788 (ATAC-STARR-seq lymphoblastoid silent region 13368; plus strand). Cytogenetic location: 21q22.3.
Variant type: single nucleotide variant.
Coding change: c.37A>G on transcript NM_000100.4 (MANE Select); coding-DNA position 37, A replaced by G.
Protein change: p.Thr13Ala; replaces threonine 13 with alanine.
Molecular consequence: missense variant.
Genome position (GRCh38, 1-based): chr21:43,776,233, T>C on the plus strand (A>G on the coding strand, the complement: CSTB is on the minus strand). VCF-style: chr21-43776233-T-C. GRCh37 (hg19) VCF-style: chr21-45196114-T-C.
Other names: short protein forms T13A.
Identifiers: ClinVar variation 3371794 (VCV003371794.1).